The following is an entry in ClinVar:

NM_006648.4(WNK2):c.532G>A (p.Asp178Asn)

Gene: WNK2 (WNK lysine deficient protein kinase 2; plus strand). Cytogenetic location: 9q22.31.
Variant type: single nucleotide variant.
Coding change: c.532G>A on transcript NM_006648.4 (MANE Select); coding-DNA position 532, G replaced by A.
Protein change: p.Asp178Asn; replaces aspartic acid 178 with asparagine.
Molecular consequence: missense variant.
Genome position (GRCh38, 1-based): chr9:93,185,461, G>A. VCF-style: chr9-93185461-G-A. GRCh37 (hg19) VCF-style: chr9-95947743-G-A.
Other names: c.532G>A, p.Asp178Asn (NM_001282394.3); short protein forms D178N.
Identifiers: ClinVar variation 3816807 (VCV003816807.1).

ClinVar aggregate classification (germline): Uncertain significance (1 of 4 stars; one submission).

gnomAD v4.1: 5 of 1,612,002 alleles (0.00031%); highest among the groups gnomAD compares: African/African-American, 0.0027%; no homozygotes.

Submission:

Ambry Genetics
Classification: Uncertain significance. Last evaluated: 2025-01-11. Review status: criteria provided, single submitter. Criteria: Ambry Variant Classification Scheme 2023. Collection method: clinical testing. Allele origin: germline.
Comment: The p.D178N variant (also known as c.532G>A), located in coding exon 1 of the WNK2 gene, results from a G to A substitution at nucleotide position 532. The aspartic acid at codon 178 is replaced by asparagine, an amino acid with highly similar properties. This amino acid position is conserved. In addition, this alteration is predicted to be tolerated by in silico analysis. Based on the available evidence, the clinical significance of this variant remains unclear.